The following is an entry in ClinVar:

ClinVar aggregate classification (germline): Uncertain significance (1 of 4 stars; one submission).

Conditions:
Aortic aneurysm, familial thoracic 4 (AAT4). Also called: AORTIC ANEURYSM/AORTIC DISSECTION AND PATENT DUCTUS ARTERIOSUS. Identifiers: MedGen C1851504, MONDO:0007568, OMIM 132900.

Submission:

Labcorp Genetics (formerly Invitae), Labcorp
Classification: Uncertain significance for Aortic aneurysm, familial thoracic 4. Last evaluated: 2022-08-15. Review status: criteria provided, single submitter. Criteria: Invitae Variant Classification Sherloc (09022015). Collection method: clinical testing. Allele origin: germline.
Comment: In summary, the available evidence is currently insufficient to determine the role of this variant in disease. Therefore, it has been classified as a Variant of Uncertain Significance. Algorithms developed to predict the effect of sequence changes on RNA splicing suggest that this variant may create or strengthen a splice site. Experimental studies and prediction algorithms are not available or were not evaluated, and the functional significance of this variant is currently unknown. ClinVar contains an entry for this variant (Variation ID: 1516508). This variant has not been reported in the literature in individuals affected with MYH11-related conditions. This variant is not present in population databases (gnomAD no frequency). This variant, c.3799_3801dup, results in the insertion of 1 amino acid(s) of the MYH11 protein (p.Gln1267dup), but otherwise preserves the integrity of the reading frame.

NM_002474.3(MYH11):c.3778_3780dup (p.Gln1260dup)

Gene: MYH11 (myosin heavy chain 11; minus strand). Cytogenetic location: 16p13.11.
Variant type: Duplication.
Coding change: c.3778_3780dup on transcript NM_002474.3 (MANE Select); coding-DNA positions 3778 to 3780, 3 bases duplicated (CAG; older notation c.3778_3780dupCAG).
Protein change: p.Gln1260dup; duplicates glutamine 1260.
Molecular consequence: inframe insertion.
Genome position (GRCh38, 1-based): chr16:15,726,926-15,726,928, CTG duplicated on the plus strand (CAG on the coding strand, the reverse complement: MYH11 is on the minus strand); duplicating any 3 consecutive bases within chr16:15,726,926-15,726,929 gives the same sequence; the c. name uses the placement nearest the transcript's 3' end. VCF-style (leftmost placement, unchanged base first): chr16-15726925-C-CCTG. GRCh37 (hg19) VCF-style: chr16-15820782-C-CCTG.
Other names: c.3799_3801dup, p.Gln1267dup (NM_001040113.2, NM_001040114.2); c.3778_3780dup, p.Gln1260dup (NM_022844.3).
Identifiers: ClinVar variation 1516508 (VCV001516508.8), dbSNP rs2151225352, ClinGen allele CA2573151894.